The following is an entry in ClinVar:

NM_001365536.1(SCN9A):c.4585A>G (p.Met1529Val)

Genes: SCN1A-AS1 (SCN1A and SCN9A antisense RNA 1; plus strand), SCN9A (sodium voltage-gated channel alpha subunit 9; minus strand). Cytogenetic location: 2q24.3.
Variant type: single nucleotide variant.
Coding change: c.4585A>G on transcript NM_001365536.1 (MANE Select); coding-DNA position 4585, A replaced by G.
Protein change: p.Met1529Val; replaces methionine 1529 with valine.
Molecular consequence: missense variant.
Genome position (GRCh38, 1-based): chr2:166,204,144, T>C on the plus strand (A>G on the coding strand, the complement: SCN9A is on the minus strand). VCF-style: chr2-166204144-T-C. GRCh37 (hg19) VCF-style: chr2-167060654-T-C.
Other names: c.4552A>G, p.Met1518Val (NM_002977.4); short protein forms M1518V, M1529V.
Identifiers: ClinVar variation 1361521 (VCV001361521.8), dbSNP rs2106346410, ClinGen allele CA349057810.
Genomic context (GRCh38, chr2:166,204,144, plus strand): 5'-AATATAAAACTTCAGTCATATGTTGACTTTGACCCTCCTTTTCTACCATCATGGTTACCA[T>C]GTTGAGACAGATAAGAACCATGATACTAATATCAAAGGCTTGATTTGTCACTAGGTCAAA-3'
Protein context (NP_001352465.1, residues 1519-1539): ISIMVLICLN[Met1529Val]VTMMVEKEGQ

ClinVar aggregate classification (germline): Uncertain significance (1 of 4 stars; one submission).

Conditions:
Generalized epilepsy with febrile seizures plus, type 7 (GEFSP7). Also called: GEFS+, TYPE 7. Identifiers: Orphanet 36387, MedGen C2751778, MONDO:0013470, OMIM 613863.
Neuropathy, hereditary sensory and autonomic, type 2A (HSAN2A). Also called: HSAN IIA; NEUROPATHY, CONGENITAL SENSORY; NEUROPATHY, HEREDITARY SENSORY RADICULAR, AUTOSOMAL RECESSIVE; NEUROPATHY, HEREDITARY SENSORY, TYPE IIA; NEUROPATHY, PROGRESSIVE SENSORY, OF CHILDREN; MORVAN DISEASE. Identifiers: Orphanet 970, MedGen C2752089, MONDO:0024309, OMIM 201300.

Allele frequency attached by ClinVar (database versions not stated): gnomAD exomes below 0.00001.

Submission:

Labcorp Genetics (formerly Invitae), Labcorp
Classification: Uncertain significance for Neuropathy, hereditary sensory and autonomic, type 2A; Generalized epilepsy with febrile seizures plus, type 7. Last evaluated: 2021-06-16. Review status: criteria provided, single submitter. Criteria: Invitae Variant Classification Sherloc (09022015). Collection method: clinical testing. Allele origin: germline.
Comment: This variant is not present in population databases (ExAC no frequency). This variant has not been reported in the literature in individuals with SCN9A-related conditions. Algorithms developed to predict the effect of missense changes on protein structure and function are either unavailable or do not agree on the potential impact of this missense change (SIFT: "Deleterious"; PolyPhen-2: "Possibly Damaging"; Align-GVGD: "Class C15"). In summary, the available evidence is currently insufficient to determine the role of this variant in disease. Therefore, it has been classified as a Variant of Uncertain Significance. This sequence change replaces methionine with valine at codon 1518 of the SCN9A protein (p.Met1518Val). The methionine residue is highly conserved and there is a small physicochemical difference between methionine and valine.